The following is an entry in ClinVar:

ClinVar aggregate classification (germline): Pathogenic. Review status: criteria provided, multiple submitters, no conflicts (2 of 4 stars). 4 submissions from 4 submitters: Pathogenic (3). 1 of the submissions does not count toward it. Last evaluated 2025-09-15.

Conditions:
FAM161A-related disorder. Also called: FAM161A-related condition.
Retinitis pigmentosa 28 (RP28). Identifiers: Orphanet 791, MedGen C1419614, MONDO:0011630, OMIM 606068.

Allele frequency attached by ClinVar (database versions not stated): gnomAD exomes below 0.00001; ExAC 0.00001; 1000 Genomes Project 30x 0.00016; gnomAD 0.00001.
gnomAD v4.1: 39 of 1,609,270 alleles (0.0024%); highest among the groups gnomAD compares: Non-Finnish European, 0.003%; no homozygotes.

Submissions (4):

Natera, Inc.
Classification: Pathogenic for Retinitis pigmentosa type 28. Last evaluated: 2025-09-15. Review status: criteria provided, single submitter. Criteria: Natera Variant Classification Schema (03/2026). Collection method: clinical testing. Allele origin: germline.
Comment: The c.1786C>T variant in FAM161A is a nonsense variant predicted to introduce a stop codon at amino acid 596. This variant is expected to result in nonsense mediated decay, truncation, or a dysfunctional protein product. This variant is rare in the general population with a frequency below the threshold expected for the associated phenotype(s). This variant has been observed in one or more individuals affected with the associated recessive disease, as either homozygous or compound heterozygous with a second variant (PMID: 20705279). Given the available evidence, this variant is classified as Pathogenic.

Labcorp Genetics (formerly Invitae), Labcorp
Classification: Pathogenic. Last evaluated: 2025-04-07. Review status: criteria provided, single submitter. Criteria: Invitae Variant Classification Sherloc (09022015). Collection method: clinical testing. Allele origin: germline.
Comment: This sequence change creates a premature translational stop signal (p.Arg596*) in the FAM161A gene. It is expected to result in an absent or disrupted protein product. Loss-of-function variants in FAM161A are known to be pathogenic (PMID: 20705278, 20705279, 24651477). The frequency data for this variant in the population databases is considered unreliable, as metrics indicate poor data quality at this position in the gnomAD database. This premature translational stop signal has been observed in individuals with retinitis pigmentosa (PMID: 20705279, 28559085). ClinVar contains an entry for this variant (Variation ID: 39). Algorithms developed to predict the effect of sequence changes on RNA splicing suggest that this variant may disrupt the consensus splice site. For these reasons, this variant has been classified as Pathogenic.

Blueprint Genetics
Classification: Pathogenic for FAM161A-related disorders. Last evaluated: 2021-06-03. Review status: criteria provided, single submitter. Criteria: ACMG Guidelines, 2015. Collection method: clinical testing. Allele origin: germline. Affected: yes. Observed: 4 variant alleles.

OMIM
Classification: Pathogenic for RETINITIS PIGMENTOSA 28. Last evaluated: 2010-09-10. Review status: no assertion criteria provided. Collection method: literature only. Allele origin: germline. Not counted in ClinVar's aggregate classification.

Literature cited by the submitters: PubMed 20705279 (cited by 3 submitters); PubMed 20705278 (cited by Labcorp Genetics (formerly Invitae), Labcorp); PubMed 24651477 (cited by Labcorp Genetics (formerly Invitae), Labcorp); PubMed 28559085 (cited by Labcorp Genetics (formerly Invitae), Labcorp).

NM_001201543.2(FAM161A):c.1786C>T (p.Arg596Ter)

Gene: FAM161A (FAM161 centrosomal protein A; minus strand). Cytogenetic location: 2p15.
Variant type: single nucleotide variant.
Coding change: c.1786C>T on transcript NM_001201543.2 (MANE Select); coding-DNA position 1786, C replaced by T.
Protein change: p.Arg596Ter; replaces arginine 596 with a stop codon.
Molecular consequence: nonsense. On other transcripts: non-coding transcript variant (1).
Genome position (GRCh38, 1-based): chr2:61,836,075, G>A on the plus strand (C>T on the coding strand, the complement: FAM161A is on the minus strand). VCF-style: chr2-61836075-G-A. GRCh37 (hg19) VCF-style: chr2-62063210-G-A.
Other names: c.1618C>T, p.Arg540Ter (NM_032180.3); short protein forms R596*, R540*.
Identifiers: ClinVar variation 39 (VCV000000039.15), dbSNP rs267606793, ClinGen allele CA251358.